The following continues an entry in ClinVar:

NM_001276345.2(TNNT2):c.421C>T (p.Arg141Trp)

Gene: TNNT2. ClinVar aggregate classification (germline): Pathogenic/Likely pathogenic. Pathogenic (5); Likely pathogenic (5).

Submissions 9 to 11 of 11:

Women's Health and Genetics/Laboratory Corporation of America, LabCorp
Classification: Likely pathogenic for Cardiovascular phenotype. Last evaluated: 2017-06-22. Review status: criteria provided, single submitter. Criteria: LabCorp Variant Classification Summary - May 2015. Collection method: clinical testing. Allele origin: germline.
Comment: Variant summary: The TNNT2 c.391C>T (p.Arg131Trp) variant results in a non-conservative amino acid substitution located in the tropomyosin binding domain of the protein (Mogensen_2004, Klaassen_2008). 4/4 in silico tools predict a damaging outcome for this variant (SNPsandGO not captured due to low reliability index). This variant was found in 1/116588 control chromosomes at a frequency of 0.0000086, which does not exceed the estimated maximal expected allele frequency of a pathogenic TNNT2 variant (0.000175). This variant has been found in 4 probands (1st with DCM, 2nd with LVNC, 3rd with DCM/LVNC, and 4th with DCM) in the reported literature. In the first family, it was found to co-segregate with DCM in at least two affected members. In second family, the variant was found to be de novo in the affected proband; however, it is not specified whether paternity was confirmed. In the third family, affected mother was available for genotyping but she did not carry the variant. From the results of third family, authors assume the variant either to be VUS or disease-causing having reduced penetrance. The unaffected father in the family was not available for genotyping. Though this lack of co-segregation may indicate that it may not be pathogenic, the possibility that another familial variant was explaining the phenotype in the mother which remained untransmitted in the proband cannot be ruled out. The variant has also been reported in two patients with DCM by LMM/PH (unpublished findings). Several independent functional studies dating from 2004 to 2016 have demonstrated that this variant results in a depressed myofilament calcium sensitivity in alpha-MHC (myosin heavy chains) thereby inducing a more severe DCM-like contractile phenotype against an alpha-MHC background. These results are consistent with an established molecular mechanism of disease due to an alteration in the contractile dynamics in the presence of mutations in TNNT2. Three diagnostic centers via ClinVar interpret the variant as pathogenic/likely pathogenic, without evidence for independent evaluation. There are also other potentially pathogenic missense variants around this variant (such as such as p.E128K, p.R130C and p.R134G), suggesting a notion that the region may have a functional importance. Taken all evidences together, this variant is classified as Likely Pathogenic until additional reports demonstrating unequivocal co-segregation with disease in independent families with multiple affected and unaffected members are obtained.

Laboratory for Molecular Medicine, Mass General Brigham Personalized Medicine
Classification: Likely pathogenic for Primary dilated cardiomyopathy. Last evaluated: 2013-09-30. Review status: criteria provided, single submitter. Criteria: LMM Criteria. Collection method: clinical testing. Allele origin: germline. Inheritance: Autosomal dominant inheritance. Observed: 2 variant alleles.
Comment: The Arg131Trp variant in TNNT2 has been identified in 1 individual with LVNC whe re it was reported to have occurred de novo (Klaassen 2008) and has now been ide ntified by our laboratory in 2 individuals with DCM. It was not identified in la rge population studies. Additionally, studies have shown that the Arg131Trp vari ant alters calcium binding properties of the thin filaments (Robinson 2007, Lui 2012). However, these in vitro assays may not accurately represent biological fu nction. Arginine (Arg) at position 131 is highly conserved in mammals and across evolutionarily distant species and the change to tryptophan (Trp) was predicted to be pathogenic using a computational tool clinically validated by our laborat ory. This tool's pathogenic prediction is estimated to be correct 94% of the tim e (Jordan 2011). In summary, this variant is likely to be pathogenic, though add itional studies are required to fully establish its clinical significance.

OMIM
Classification: Pathogenic for CARDIOMYOPATHY, DILATED, 1D. Last evaluated: 2008-06-03. Review status: no assertion criteria provided. Collection method: literature only. Allele origin: germline. Not counted in ClinVar's aggregate classification.

Literature cited by the submitters: PubMed 15542288 (cited by 6 submitters); PubMed 18506004 (cited by 5 submitters); PubMed 21551322 (cited by 4 submitters); PubMed 24119082 (cited by 3 submitters); PubMed 15923195 (cited by 5 submitters); PubMed 17932326 (cited by 4 submitters); PubMed 22675533 (cited by 4 submitters); PubMed 14654368 (cited by 3billion); PubMed 24503780 (cited by Ambry Genetics); PubMed 32618513 (cited by Ambry Genetics); PubMed 33906374 (cited by Ambry Genetics); PubMed 34935411 (cited by Ambry Genetics); PubMed 35629155 (cited by Ambry Genetics); PubMed 36252119 (cited by Ambry Genetics); PubMed 37074952 (cited by Ambry Genetics); PubMed 27532257 (cited by Women's Health and Genetics/Laboratory Corporation of America, LabCorp); PubMed 20298698 (cited by Women's Health and Genetics/Laboratory Corporation of America, LabCorp); PubMed 21415410 (cited by Women's Health and Genetics/Laboratory Corporation of America, LabCorp); PubMed 18606313 (cited by Women's Health and Genetics/Laboratory Corporation of America, LabCorp); PubMed 18154728 (cited by Women's Health and Genetics/Laboratory Corporation of America, LabCorp); PubMed 20973921 (cited by Women's Health and Genetics/Laboratory Corporation of America, LabCorp); PubMed 21424860 (cited by Women's Health and Genetics/Laboratory Corporation of America, LabCorp); PubMed 18056765 (cited by Women's Health and Genetics/Laboratory Corporation of America, LabCorp); PubMed 17278368 (cited by Women's Health and Genetics/Laboratory Corporation of America, LabCorp); PubMed 27757084 (cited by Women's Health and Genetics/Laboratory Corporation of America, LabCorp); PubMed 16093482 (cited by Women's Health and Genetics/Laboratory Corporation of America, LabCorp); PubMed 28352236 (cited by Women's Health and Genetics/Laboratory Corporation of America, LabCorp); PubMed 20083571 (cited by Women's Health and Genetics/Laboratory Corporation of America, LabCorp).